The following is an entry in ClinVar:

NM_000532.5(PCCB):c.1210G>A (p.Glu404Lys)

Gene: PCCB (propionyl-CoA carboxylase subunit beta; plus strand). Cytogenetic location: 3q22.3.
Variant type: single nucleotide variant.
Coding change: c.1210G>A on transcript NM_000532.5 (MANE Select); coding-DNA position 1210, G replaced by A.
Protein change: p.Glu404Lys; replaces glutamic acid 404 with lysine.
Molecular consequence: missense variant.
Genome position (GRCh38, 1-based): chr3:136,327,166, G>A. VCF-style: chr3-136327166-G-A. GRCh37 (hg19) VCF-style: chr3-136046008-G-A.
Other names: pGlu404Lys; c.1270G>A, p.Glu424Lys (NM_001178014.2); short protein forms E404K, E424K.
Identifiers: ClinVar variation 217891 (VCV000217891.9), dbSNP rs777027944, ClinGen allele CA2632093.

ClinVar aggregate classification (germline): Pathogenic/Likely pathogenic. Review status: criteria provided, multiple submitters, no conflicts (2 of 4 stars). 4 submissions from 4 submitters: Pathogenic (3); Likely pathogenic (1). Last evaluated 2026-03-19.

Conditions:
Propionic acidemia (PROP). Also called: KETOTIC HYPERGLYCINEMIA; GLYCINEMIA, KETOTIC; HYPERGLYCINEMIA WITH KETOACIDOSIS AND LEUKOPENIA. Identifiers: Orphanet 35, MedGen C0268579, MONDO:0011628, OMIM 606054, HP:0003571.

Allele frequency attached by ClinVar (database versions not stated): gnomAD exomes below 0.00001; TOPMed below 0.00001; ExAC 0.00001.
gnomAD v4.1: 2 of 1,613,986 alleles (0.00012%); highest among the groups gnomAD compares: South Asian, 0.0022%; no homozygotes.

Submissions (4):

Myriad Genetics, Inc.
Classification: Likely pathogenic for Propionic acidemia. Last evaluated: 2026-03-19. Review status: criteria provided, single submitter. Criteria: Myriad Autosomal Dominant, Autosomal Recessive and X-Linked Classification Criteria (2023). Collection method: clinical testing. Allele origin: unknown.
Comment: NM_000532.4(PCCB):c.1210G>A(E404K) is a missense variant classified as likely pathogenic in the context of PCCB-related propionic acidemia. E404K has been observed in cases with relevant disease (PMID: 22156789, 27825584, 27227689, 30705822). Relevant functional assessments of this variant are not available in the literature. E404K has been observed in referenced population frequency databases. In summary, NM_000532.4(PCCB):c.1210G>A(E404K) is a missense variant that has been observed more frequently in cases with the relevant disease than in healthy populations. Please note: this variant was assessed in the context of healthy population screening.

Labcorp Genetics (formerly Invitae), Labcorp
Classification: Pathogenic for Propionic acidemia. Last evaluated: 2025-09-25. Review status: criteria provided, single submitter. Criteria: Invitae Variant Classification Sherloc (09022015). Collection method: clinical testing. Allele origin: germline.
Comment: This sequence change replaces glutamic acid, which is acidic and polar, with lysine, which is basic and polar, at codon 404 of the PCCB protein (p.Glu404Lys). This variant is present in population databases (rs777027944, gnomAD 0.003%). This missense change has been observed in individuals with propionic acidemia (PMID: 22156789, 27227689, 27825584). ClinVar contains an entry for this variant (Variation ID: 217891). Invitae Evidence Modeling of protein sequence and biophysical properties (such as structural, functional, and spatial information, amino acid conservation, physicochemical variation, residue mobility, and thermodynamic stability) indicates that this missense variant is expected to disrupt PCCB protein function with a positive predictive value of 95%. For these reasons, this variant has been classified as Pathogenic.

Baylor Genetics
Classification: Pathogenic for Propionic acidemia. Last evaluated: 2023-11-28. Review status: criteria provided, single submitter. Criteria: ACMG Guidelines, 2015. Collection method: clinical testing. Allele origin: unknown.

Institute of Medical Genetics and Genomics, Sir Ganga Ram Hospital
Classification: Pathogenic for Propionic Acidemia. Review status: criteria provided, single submitter. Criteria: Gupta et al. (Genet Test Mol Biomarkers 2016). Collection method: research. Allele origin: germline. Affected: yes. Observed: 1 variant allele. Study: ORGANIC ACIDURIAS.
Comment: Missense mutation

Literature cited by the submitters: PubMed 22156789 (cited by Myriad Genetics, Inc. and Labcorp Genetics (formerly Invitae), Labcorp); PubMed 27227689 (cited by Myriad Genetics, Inc. and Labcorp Genetics (formerly Invitae), Labcorp); PubMed 27825584 (cited by Myriad Genetics, Inc. and Labcorp Genetics (formerly Invitae), Labcorp); PubMed 30705822 (cited by Myriad Genetics, Inc.).